The following is an entry in ClinVar:

ClinVar aggregate classification (germline): Uncertain significance (1 of 4 stars; one submission).

Conditions:
Gnathodiaphyseal dysplasia (GDD). Also called: GNATHODIAPHYSEAL SCLEROSIS; OSTEOGENESIS IMPERFECTA WITH UNUSUAL SKELETAL LESIONS. Identifiers: Orphanet 53697, MedGen C1833736, MONDO:0008151, OMIM 166260.
Autosomal recessive limb-girdle muscular dystrophy type 2L (LGMDR12). Also called: Limb-girdle muscular dystrophy, type 2L; MUSCULAR DYSTROPHY, LIMB-GIRDLE, AUTOSOMAL RECESSIVE 12; Limb-Girdle Muscular Dystrophy R12 Anoctamin-5-Related (LGMD-R12). Identifiers: Orphanet 206549, MedGen C1969785, MONDO:0012652, OMIM 611307.

Submission:

Labcorp Genetics (formerly Invitae), Labcorp
Classification: Uncertain significance for Autosomal recessive limb-girdle muscular dystrophy type 2L; Gnathodiaphyseal dysplasia. Last evaluated: 2022-12-06. Review status: criteria provided, single submitter. Criteria: Invitae Variant Classification Sherloc (09022015). Collection method: clinical testing. Allele origin: germline.
Comment: In summary, the available evidence is currently insufficient to determine the role of this variant in disease. Therefore, it has been classified as a Variant of Uncertain Significance. Algorithms developed to predict the effect of sequence changes on RNA splicing suggest that this variant may disrupt the consensus splice site. This sequence change replaces proline, which is neutral and non-polar, with threonine, which is neutral and polar, at codon 546 of the ANO5 protein (p.Pro546Thr). This variant is not present in population databases (gnomAD no frequency). This variant has not been reported in the literature in individuals affected with ANO5-related conditions. ClinVar contains an entry for this variant (Variation ID: 1476488). Advanced modeling of protein sequence and biophysical properties (such as structural, functional, and spatial information, amino acid conservation, physicochemical variation, residue mobility, and thermodynamic stability) performed at Invitae indicates that this missense variant is expected to disrupt ANO5 protein function.

NM_213599.3(ANO5):c.1636C>A (p.Pro546Thr)

Gene: ANO5 (anoctamin 5; plus strand). Cytogenetic location: 11p14.3.
Variant type: single nucleotide variant.
Coding change: c.1636C>A on transcript NM_213599.3 (MANE Select); coding-DNA position 1636, C replaced by A.
Protein change: p.Pro546Thr; replaces proline 546 with threonine.
Molecular consequence: missense variant.
Genome position (GRCh38, 1-based): chr11:22,262,134, C>A. VCF-style: chr11-22262134-C-A. GRCh37 (hg19) VCF-style: chr11-22283680-C-A.
Other names: c.1633C>A, p.Pro545Thr (NM_001142649.2); short protein forms P545T, P546T.
Identifiers: ClinVar variation 1476488 (VCV001476488.6), dbSNP rs2133747368, ClinGen allele CA379922479.